The following is an entry in ClinVar:

ClinVar aggregate classification (germline): Uncertain significance. Review status: criteria provided, multiple submitters, no conflicts (2 of 4 stars). 3 submissions from 3 submitters: Uncertain significance (3). Last evaluated 2025-09-01.

Conditions:
BEST1-related disorder. Also called: BEST1-related condition; BEST1-related disorders. Identifiers: MedGen CN239200.

Allele frequency attached by ClinVar (database versions not stated): gnomAD 0.00001; ExAC 0.00002; gnomAD exomes 0.00003; TOPMed 0.00003.
gnomAD v4.1: 41 of 1,614,034 alleles (0.0025%); highest among the groups gnomAD compares: Non-Finnish European, 0.0033%; no homozygotes.

Submissions (3):

Labcorp Genetics (formerly Invitae), Labcorp
Classification: Uncertain significance. Last evaluated: 2025-09-01. Review status: criteria provided, single submitter. Criteria: Invitae Variant Classification Sherloc (09022015). Collection method: clinical testing. Allele origin: germline.
Comment: This sequence change replaces glycine, which is neutral and non-polar, with arginine, which is basic and polar, at codon 521 of the BEST1 protein (p.Gly521Arg). This variant is present in population databases (rs764895096, gnomAD 0.01%). This variant has not been reported in the literature in individuals affected with BEST1-related conditions. ClinVar contains an entry for this variant (Variation ID: 2899232). Invitae Evidence Modeling of protein sequence and biophysical properties (such as structural, functional, and spatial information, amino acid conservation, physicochemical variation, residue mobility, and thermodynamic stability) has been performed for this missense variant. However, the output from this modeling did not meet the statistical confidence thresholds required to predict the impact of this variant on BEST1 protein function. In summary, the available evidence is currently insufficient to determine the role of this variant in disease. Therefore, it has been classified as a Variant of Uncertain Significance.

PreventionGenetics, part of Exact Sciences
Classification: Uncertain significance for BEST1-related condition. Last evaluated: 2025-06-04. Review status: criteria provided, single submitter. Criteria: ACMG Guidelines, 2015. Collection method: clinical testing. Allele origin: germline.
Comment: The BEST1 c.1561G>A variant is predicted to result in the amino acid substitution p.Gly521Arg. To our knowledge, this variant has not been reported in the literature. This variant is reported in 0.012% of alleles in individuals of African descent in gnomAD. At this time, the clinical significance of this variant is uncertain due to the absence of conclusive functional and genetic evidence.

Blueprint Genetics
Classification: Uncertain significance. Last evaluated: 2024-08-09. Review status: criteria provided, single submitter. Criteria: ACMG Guidelines, 2015. Collection method: clinical testing. Allele origin: germline.

NM_004183.4(BEST1):c.1561G>A (p.Gly521Arg)

Gene: BEST1 (bestrophin 1; plus strand). Cytogenetic location: 11q12.3.
Variant type: single nucleotide variant.
Coding change: c.1561G>A on transcript NM_004183.4 (MANE Select); coding-DNA position 1561, G replaced by A.
Protein change: p.Gly521Arg; replaces glycine 521 with arginine.
Molecular consequence: missense variant. On other transcripts: non-coding transcript variant (1).
Genome position (GRCh38, 1-based): chr11:61,962,715, G>A. VCF-style: chr11-61962715-G-A. GRCh37 (hg19) VCF-style: chr11-61730187-G-A.
Other names: c.1561G>A (NM_004183.3); c.1381G>A, p.Gly461Arg (NM_001139443.3, NM_001300787.2); c.1300G>A, p.Gly434Arg (NM_001300786.2); c.1243G>A, p.Gly415Arg (NM_001363591.3); c.*456G>A (NM_001363592.2); c.589G>A, p.Gly197Arg (NM_001363593.3); short protein forms G434R, G197R, G415R, G461R, G521R.
Identifiers: ClinVar variation 2899232 (VCV002899232.5), dbSNP rs764895096, ClinGen allele CA6041082.